The following is an entry in ClinVar:

ClinVar aggregate classification (germline): Pathogenic (1 of 4 stars; one submission).

Conditions:
Ataxia-telangiectasia syndrome (AT). Also called: LOUIS-BAR SYNDROME; Cerebello-oculocutaneous telangiectasia; Immunodeficiency with ataxia telangiectasia; AT, COMPLEMENTATION GROUP C; Ataxia-telangiectasia, complementation group D; ATAXIA-TELANGIECTASIA, COMPLEMENTATION GROUP A. Identifiers: Orphanet 100, MedGen C0004135, MONDO:0008840, OMIM 208900.

Submission:

Labcorp Genetics (formerly Invitae), Labcorp
Classification: Pathogenic for Ataxia-telangiectasia syndrome. Last evaluated: 2022-12-19. Review status: criteria provided, single submitter. Criteria: Invitae Variant Classification Sherloc (09022015). Collection method: clinical testing. Allele origin: unknown.
Comment: This variant is a gross deletion of the genomic region encompassing exon(s) 24-40 of the ATM gene. This variant would be expected to be in-frame, preserving the integrity of the reading frame. For these reasons, this variant has been classified as Pathogenic. This variant disrupts a region of the ATM protein in which other variant(s) (p.Leu1283Pro) have been determined to be pathogenic (PMID: 12072877, 21833744). This suggests that this is a clinically significant region of the protein, and that variants that disrupt it are likely to be disease-causing. This variant has not been reported in the literature in individuals affected with ATM-related conditions.

Literature cited by the submitters: PubMed 12072877; PubMed 21833744.

NC_000011.9:g.(?_108151712)_(108183245_?)del

Gene: ATM (ATM serine/threonine kinase; plus strand). Cytogenetic location: 11q22.3.
Variant type: Deletion.
Identifiers: ClinVar variation 3244471 (VCV003244471.1).